The following is an entry in ClinVar:

NM_024757.5(EHMT1):c.3344G>A (p.Cys1115Tyr)

Gene: EHMT1 (euchromatic histone lysine methyltransferase 1; plus strand). Cytogenetic location: 9q34.3.
Variant type: single nucleotide variant.
Coding change: c.3344G>A on transcript NM_024757.5 (MANE Select); coding-DNA position 3344, G replaced by A.
Protein change: p.Cys1115Tyr; replaces cysteine 1115 with tyrosine.
Molecular consequence: missense variant.
Genome position (GRCh38, 1-based): chr9:137,816,032, G>A. VCF-style: chr9-137816032-G-A. GRCh37 (hg19) VCF-style: chr9-140710484-G-A.
Other names: c.3323G>A, p.Cys1108Tyr (NM_001354263.2); short protein forms C1115Y, C1108Y.
Identifiers: ClinVar variation 4740902 (VCV004740902.1).

ClinVar aggregate classification (germline): Uncertain significance (1 of 4 stars; one submission).

Conditions:
Kleefstra syndrome 1 (KLEFS1). Identifiers: Orphanet 261494, MedGen C0795833, MONDO:0027407, OMIM 610253.

Submission:

Labcorp Genetics (formerly Invitae), Labcorp
Classification: Uncertain significance for Kleefstra syndrome 1. Last evaluated: 2025-09-04. Review status: criteria provided, single submitter. Criteria: Invitae Variant Classification Sherloc (09022015). Collection method: clinical testing. Allele origin: germline.
Comment: This sequence change replaces cysteine, which is neutral and slightly polar, with tyrosine, which is neutral and polar, at codon 1115 of the EHMT1 protein (p.Cys1115Tyr). This variant is not present in population databases (gnomAD no frequency). This variant has not been reported in the literature in individuals affected with EHMT1-related conditions. Invitae Evidence Modeling of protein sequence and biophysical properties (such as structural, functional, and spatial information, amino acid conservation, physicochemical variation, residue mobility, and thermodynamic stability) indicates that this missense variant is expected to disrupt EHMT1 protein function with a positive predictive value of 80%. In summary, the available evidence is currently insufficient to determine the role of this variant in disease. Therefore, it has been classified as a Variant of Uncertain Significance.